The following is an entry in ClinVar:

NM_004415.4(DSP):c.1693del (p.Ile565fs)

Gene: DSP (desmoplakin; plus strand). Cytogenetic location: 6p24.3.
Variant type: Deletion.
Coding change: c.1693del on transcript NM_004415.4 (MANE Select); coding-DNA position 1693, one base deleted (A; older notation c.1693delA).
Protein change: p.Ile565fs; shifts the reading frame from isoleucine 565.
Molecular consequence: frameshift variant.
Genome position (GRCh38, 1-based): chr6:7,570,555, A deleted; the last of 2 consecutive A bases (chr6:7,570,554-7,570,555); deleting either gives the same sequence. VCF-style (leftmost placement, unchanged base first): chr6-7570553-CA-C. GRCh37 (hg19) VCF-style: chr6-7570786-CA-C.
Other names: c.1693del, p.Ile565fs (NM_001008844.3, NM_001319034.2); short protein forms I565fs.
Identifiers: ClinVar variation 1216348 (VCV001216348.5), dbSNP rs2113677528, ClinGen allele CA2499218552.

ClinVar aggregate classification (germline): Likely pathogenic (1 of 4 stars; one submission).

Submission:

GeneDx
Classification: Likely pathogenic. Last evaluated: 2025-11-14. Review status: criteria provided, single submitter. Criteria: GeneDx Variant Classification Process June 2021. Collection method: clinical testing. Allele origin: germline. Affected: yes.
Comment: Frameshift variant predicted to result in protein truncation or nonsense mediated decay in a gene for which loss of function is a known mechanism of disease; Has not been previously published as pathogenic or benign to our knowledge; Not observed at significant frequency in large population cohorts (gnomAD); This variant is associated with the following publications: (PMID: 31638835, 33684294)